The following is an entry in ClinVar:

NM_005560.6(LAMA5):c.2749G>A (p.Val917Met)

Gene: LAMA5 (laminin subunit alpha 5; minus strand). Cytogenetic location: 20q13.33.
Variant type: single nucleotide variant.
Coding change: c.2749G>A on transcript NM_005560.6 (MANE Select); coding-DNA position 2749, G replaced by A.
Protein change: p.Val917Met; replaces valine 917 with methionine.
Molecular consequence: missense variant.
Genome position (GRCh38, 1-based): chr20:62,334,030, C>T on the plus strand (G>A on the coding strand, the complement: LAMA5 is on the minus strand). VCF-style: chr20-62334030-C-T. GRCh37 (hg19) VCF-style: chr20-60909086-C-T.
Other names: short protein forms V917M.
Identifiers: ClinVar variation 4747649 (VCV004747649.1).

ClinVar aggregate classification (germline): Uncertain significance (1 of 4 stars; one submission).

gnomAD v4.1: 84 of 1,612,184 alleles (0.0052%); highest among the groups gnomAD compares: South Asian, 0.013%; no homozygotes.

Submission:

Labcorp Genetics (formerly Invitae), Labcorp
Classification: Uncertain significance. Last evaluated: 2025-09-10. Review status: criteria provided, single submitter. Criteria: Invitae Variant Classification Sherloc (09022015). Collection method: clinical testing. Allele origin: germline.
Comment: This sequence change replaces valine, which is neutral and non-polar, with methionine, which is neutral and non-polar, at codon 917 of the LAMA5 protein (p.Val917Met). This variant is present in population databases (rs748742005, gnomAD 0.01%). This variant has not been reported in the literature in individuals affected with LAMA5-related conditions. An algorithm developed to predict the effect of missense changes on protein structure and function (PolyPhen-2) suggests that this variant is likely to be disruptive. In summary, the available evidence is currently insufficient to determine the role of this variant in disease. Therefore, it has been classified as a Variant of Uncertain Significance.